The following is an entry in ClinVar:

ClinVar aggregate classification (germline): Conflicting classifications of pathogenicity. Review status: criteria provided, conflicting classifications (1 of 4 stars). 3 submissions from 3 submitters: Uncertain significance (1); Likely benign (2). Last evaluated 2023-06-26.

Conditions:
Hypercholesterolemia, autosomal dominant, 3 (FHCL3). Also called: PCSK9-Related Familial Hypercholesterolemia, Autosomal Dominant; Familial Hypercholesterolemia, Autosomal Dominant, 3; Familial hypercholesterolemia 3. Identifiers: MedGen C1863551, MONDO:0011369, OMIM 603776.
Familial hypercholesterolemia. Also called: Familial hypercholesterolemias; Familial hypercholesterolaemia. Identifiers: MedGen C0020445, MONDO:0005439.

gnomAD v4.1: 8 of 1,614,170 alleles (0.0005%); highest among the groups gnomAD compares: South Asian, 0.0011%; no homozygotes.

Submissions (3):

All of Us Research Program, National Institutes of Health
Classification: Likely benign for Hypercholesterolemia, autosomal dominant, 3. Last evaluated: 2023-06-26. Review status: criteria provided, single submitter. Criteria: ACMG Guidelines, 2015. Collection method: clinical testing. Allele origin: germline. Inheritance: Autosomal dominant inheritance. Observed: 2 variant alleles, 2 heterozygotes.
Comment: This study involves interpretation of variants in research participants for the purpose of population health screening. Participant phenotype was not available at the time of variant classification. Additional details can be found in publication PMID: 35346344, PMCID: PMC8962531

Labcorp Genetics (formerly Invitae), Labcorp
Classification: Uncertain significance for Hypercholesterolemia, autosomal dominant, 3. Last evaluated: 2023-05-20. Review status: criteria provided, single submitter. Criteria: Invitae Variant Classification Sherloc (09022015). Collection method: clinical testing. Allele origin: germline.
Comment: This missense change has been observed in individual(s) with low plasma LDL cholesterol level (PMID: 21813713). This sequence change replaces glutamine, which is neutral and polar, with histidine, which is basic and polar, at codon 152 of the PCSK9 protein (p.Gln152His). This variant is present in population databases (no rsID available, gnomAD 0.002%). Advanced modeling of protein sequence and biophysical properties (such as structural, functional, and spatial information, amino acid conservation, physicochemical variation, residue mobility, and thermodynamic stability) performed at Invitae indicates that this missense variant is expected to disrupt PCSK9 protein function. Experimental studies are conflicting or provide insufficient evidence to determine the effect of this variant on PCSK9 function (PMID: 21813713, 22875854, 33211673). Algorithms developed to predict the effect of sequence changes on RNA splicing suggest that this variant may create or strengthen a splice site. In summary, the available evidence is currently insufficient to determine the role of this variant in disease. Therefore, it has been classified as a Variant of Uncertain Significance.

Color Diagnostics, LLC DBA Color Health
Classification: Likely benign for Familial hypercholesterolemia. Last evaluated: 2021-07-26. Review status: criteria provided, single submitter. Criteria: ACMG Guidelines, 2015. Collection method: clinical testing. Allele origin: germline.

Literature cited by the submitters: PubMed 21813713 (cited by Labcorp Genetics (formerly Invitae), Labcorp); PubMed 22875854 (cited by Labcorp Genetics (formerly Invitae), Labcorp); PubMed 33211673 (cited by Labcorp Genetics (formerly Invitae), Labcorp).

NM_174936.4(PCSK9):c.456G>C (p.Gln152His)

Gene: PCSK9 (proprotein convertase subtilisin/kexin type 9; plus strand). Cytogenetic location: 1p32.3.
Variant type: single nucleotide variant.
Coding change: c.456G>C on transcript NM_174936.4 (MANE Select); coding-DNA position 456, G replaced by C.
Protein change: p.Gln152His; replaces glutamine 152 with histidine.
Molecular consequence: missense variant. On other transcripts: non-coding transcript variant (6), splice acceptor variant (1).
Genome position (GRCh38, 1-based): chr1:55,046,579, G>C. VCF-style: chr1-55046579-G-C. GRCh37 (hg19) VCF-style: chr1-55512252-G-C.
Other names: c.579G>C, p.Gln193His (NM_001407240.1); c.456G>C, p.Gln152His (NM_001407241.1, NM_001407242.1, NM_001407244.1 and 1 more transcripts); c.264G>C, p.Gln88His (NM_001407245.1); c.81G>C, p.Gln27His (NM_001407246.1); c.400-1G>C (NM_001407243.1); short protein forms Q152H, Q193H, Q27H, Q88H.
Identifiers: ClinVar variation 2837755 (VCV002837755.5), dbSNP rs1305635836, ClinGen allele CA340484675.